The following is an entry in ClinVar:

NM_020686.6(ABAT):c.748C>G (p.Arg250Gly)

Gene: ABAT (4-aminobutyrate aminotransferase; plus strand). Cytogenetic location: 16p13.2.
Variant type: single nucleotide variant.
Coding change: c.748C>G on transcript NM_020686.6 (MANE Select); coding-DNA position 748, C replaced by G.
Protein change: p.Arg250Gly; replaces arginine 250 with glycine.
Molecular consequence: missense variant.
Genome position (GRCh38, 1-based): chr16:8,768,905, C>G. VCF-style: chr16-8768905-C-G. GRCh37 (hg19) VCF-style: chr16-8862762-C-G.
Other names: c.748C>G, p.Arg250Gly (NM_000663.5, NM_001127448.2, NM_001386600.1 and 7 more transcripts); c.685C>G, p.Arg229Gly (NM_001386606.1, NM_001386607.1); c.655C>G, p.Arg219Gly (NM_001386608.1); c.613C>G, p.Arg205Gly (NM_001386610.1, NM_001386611.1); c.550C>G, p.Arg184Gly (NM_001386612.1, NM_001386613.1); c.502C>G, p.Arg168Gly (NM_001386614.1); c.844C>G, p.Arg282Gly (NM_001386615.1); short protein forms R184G, R219G, R250G, R168G, R205G, R282G, R229G.
Identifiers: ClinVar variation 2151235 (VCV002151235.4), dbSNP rs201397255, ClinGen allele CA277471928.

ClinVar aggregate classification (germline): Uncertain significance (1 of 4 stars; one submission).

Conditions:
Gamma-aminobutyric acid transaminase deficiency (GABATD). Also called: GABA transaminase deficiency; Gamma aminobutyrate transaminase deficiency; 4 alpha aminobutyrate transaminase deficiency; GABA aminotransaminase deficiency. Identifiers: Orphanet 2066, MedGen C0342708, MONDO:0013166, OMIM 613163.

gnomAD v4.1: 5 of 1,614,154 alleles (0.00031%); highest among the groups gnomAD compares: East Asian, 0.0022%; no homozygotes.

Submission:

Labcorp Genetics (formerly Invitae), Labcorp
Classification: Uncertain significance for Gamma-aminobutyric acid transaminase deficiency. Last evaluated: 2022-05-12. Review status: criteria provided, single submitter. Criteria: Invitae Variant Classification Sherloc (09022015). Collection method: clinical testing. Allele origin: germline.
Comment: This sequence change replaces arginine, which is basic and polar, with glycine, which is neutral and non-polar, at codon 250 of the ABAT protein (p.Arg250Gly). This variant is not present in population databases (gnomAD no frequency). This variant has not been reported in the literature in individuals affected with ABAT-related conditions. In summary, the available evidence is currently insufficient to determine the role of this variant in disease. Therefore, it has been classified as a Variant of Uncertain Significance. Algorithms developed to predict the effect of sequence changes on RNA splicing suggest that this variant may create or strengthen a splice site. Algorithms developed to predict the effect of missense changes on protein structure and function are either unavailable or do not agree on the potential impact of this missense change (SIFT: "Deleterious"; PolyPhen-2: "Benign"; Align-GVGD: "Class C0").